The following is an entry in ClinVar:

NM_000051.4(ATM):c.6006+4A>C

Genes: ATM (ATM serine/threonine kinase; plus strand), C11orf65 (chromosome 11 open reading frame 65; minus strand). Cytogenetic location: 11q22.3.
Variant type: single nucleotide variant.
Coding change: c.6006+4A>C on transcript NM_000051.4 (MANE Select); 4 bases into the intron after coding-DNA position 6006, A replaced by C.
Molecular consequence: intron variant.
Genome position (GRCh38, 1-based): chr11:108,312,502, A>C. VCF-style: chr11-108312502-A-C. GRCh37 (hg19) VCF-style: chr11-108183229-A-C.
Other names: c.6006+4A>C (NM_001351834.2); c.641-3431T>G (NM_001330368.2); c.*39-3431T>G (NM_001351110.2).
Identifiers: ClinVar variation 2788311 (VCV002788311.4), dbSNP rs2084258419, ClinGen allele CA1998798430.

ClinVar aggregate classification (germline): Uncertain significance. Review status: criteria provided, multiple submitters, no conflicts (2 of 4 stars). 2 submissions from 2 submitters: Uncertain significance (2). Last evaluated 2025-02-27.

Conditions:
Ataxia-telangiectasia syndrome (AT). Also called: LOUIS-BAR SYNDROME; Cerebello-oculocutaneous telangiectasia; Immunodeficiency with ataxia telangiectasia; Ataxia telangiectasia (A-T); Ataxia-telangiectasia, complementation group D; AT, COMPLEMENTATION GROUP C. Identifiers: Orphanet 100, MedGen C0004135, MONDO:0008840, OMIM 208900.
Hereditary cancer-predisposing syndrome. Also called: Tumor predisposition; Neoplastic Syndromes, Hereditary; Hereditary Cancer Syndrome; Hereditary neoplastic syndrome. Identifiers: Orphanet 140162, MedGen C0027672, MeSH D009386, MONDO:0015356.

Allele frequency attached by ClinVar (database versions not stated): TOPMed below 0.00001.

Submissions (2):

Ambry Genetics
Classification: Uncertain significance for Hereditary cancer-predisposing syndrome. Last evaluated: 2025-02-27. Review status: criteria provided, single submitter. Criteria: Ambry Variant Classification Scheme 2023. Collection method: clinical testing. Allele origin: germline.
Comment: The c.6006+4A>C intronic variant results from an A to C substitution 4 nucleotides after coding exon 39 in the ATM gene. This nucleotide position is highly conserved in available vertebrate species. In silico splice site analysis predicts that this alteration may weaken the native splice donor site; however, direct evidence is insufficient at this time (Ambry internal data). Based on the available evidence, the clinical significance of this variant remains unclear.

Labcorp Genetics (formerly Invitae), Labcorp
Classification: Uncertain significance for Ataxia-telangiectasia syndrome. Last evaluated: 2022-12-31. Review status: criteria provided, single submitter. Criteria: Invitae Variant Classification Sherloc (09022015). Collection method: clinical testing. Allele origin: germline.
Comment: Variants that disrupt the consensus splice site are a relatively common cause of aberrant splicing (PMID: 17576681, 9536098). RNA analysis performed to evaluate the impact of this variant on mRNA splicing indicates it does not significantly alter splicing (Invitae). This variant has not been reported in the literature in individuals affected with ATM-related conditions. This variant is not present in population databases (gnomAD no frequency). This sequence change falls in intron 40 of the ATM gene. It does not directly change the encoded amino acid sequence of the ATM protein. It affects a nucleotide within the consensus splice site. In summary, the available evidence is currently insufficient to determine the role of this variant in disease. Therefore, it has been classified as a Variant of Uncertain Significance.

Literature cited by the submitters: PubMed 17576681 (cited by Labcorp Genetics (formerly Invitae), Labcorp); PubMed 9536098 (cited by Labcorp Genetics (formerly Invitae), Labcorp).